The following is an entry in ClinVar:

NM_002693.3(POLG):c.3104+64A>G

Gene: POLG (DNA polymerase gamma, catalytic subunit; minus strand). Cytogenetic location: 15q26.1.
Variant type: single nucleotide variant.
Coding change: c.3104+64A>G on transcript NM_002693.3 (MANE Select); 64 bases into the intron after coding-DNA position 3104, A replaced by G.
Molecular consequence: intron variant.
Genome position (GRCh38, 1-based): chr15:89,319,164, T>C on the plus strand (A>G on the coding strand, the complement: POLG is on the minus strand). VCF-style: chr15-89319164-T-C. GRCh37 (hg19) VCF-style: chr15-89862395-T-C.
Other names: c.3104+64A>G (NM_001126131.2).
Identifiers: ClinVar variation 619392 (VCV000619392.1), dbSNP rs1567185722, ClinGen allele CA10602257.

ClinVar aggregate classification (germline): Likely benign (1 of 4 stars; one submission).

Conditions:
Progressive sclerosing poliodystrophy (MTDPS4A). Also called: Alpers-Huttenlocher Syndrome (AHS); Alpers Syndrome; ALPERS PROGRESSIVE INFANTILE POLIODYSTROPHY; Mitochondrial DNA depletion syndrome 4A (Alpers type); ALPERS DIFFUSE DEGENERATION OF CEREBRAL GRAY MATTER WITH HEPATIC CIRRHOSIS; Alpers-Huttenlocher Syndrome. Identifiers: Orphanet 726, MedGen C0205710, MONDO:0008758, OMIM 203700.

Allele frequency attached by ClinVar (database versions not stated): gnomAD exomes below 0.00001.
gnomAD v4.1: 1 of 1,614,148 alleles (0.000062%); highest among the groups gnomAD compares: Non-Finnish European, 0.000085%; no homozygotes.

Submission:

Wong Mito Lab, Molecular and Human Genetics, Baylor College of Medicine
Classification: Likely benign for Progressive sclerosing poliodystrophy. Last evaluated: 2018-10-01. Review status: criteria provided, single submitter. Criteria: ACMG Guidelines, 2015. Collection method: clinical testing. Allele origin: germline.
Comment: The NM_002693.2:c.3105-65A>G (NP_002684.1:p.=) [GRCH38: NC_000015.10:g.89319164T>C] variant in POLG gene is interpretated to be a Likely Benign based on ACMG guidelines (PMID: 25741868). This variant meets the following evidence codes reported in the ACMG-guideline. BP4:Computational evidence/predictors indicate no impact on the POLG structure, function, or protein-protein interaction. BP6:Reputable source(s) without shared data suggest the variant is benign. Based on the evidence criteria codes applied, the variant is suggested to be Likely Benign.